The following is an entry in ClinVar:

NM_020778.5(ALPK3):c.4910C>G (p.Ala1637Gly)

Gene: ALPK3 (alpha kinase 3; plus strand). Cytogenetic location: 15q25.3.
Variant type: single nucleotide variant.
Coding change: c.4910C>G on transcript NM_020778.5 (MANE Select); coding-DNA position 4910, C replaced by G.
Protein change: p.Ala1637Gly; replaces alanine 1637 with glycine.
Molecular consequence: missense variant.
Genome position (GRCh38, 1-based): chr15:84,868,248, C>G. VCF-style: chr15-84868248-C-G. GRCh37 (hg19) VCF-style: chr15-85411479-C-G.
Other names: short protein forms A1637G.
Identifiers: ClinVar variation 1475006 (VCV001475006.11), dbSNP rs769409719, ClinGen allele CA7710114.

ClinVar aggregate classification (germline): Uncertain significance. Review status: criteria provided, multiple submitters, no conflicts (2 of 4 stars). 2 submissions from 2 submitters: Uncertain significance (2). Last evaluated 2025-12-21.

Conditions:
Cardiovascular phenotype. Identifiers: MedGen CN230736.

Allele frequency attached by ClinVar (database versions not stated): gnomAD exomes 0.00001 and 0.00003; ExAC 0.00002.

Submissions (2):

Labcorp Genetics (formerly Invitae), Labcorp
Classification: Uncertain significance. Last evaluated: 2025-12-21. Review status: criteria provided, single submitter. Criteria: Invitae Variant Classification Sherloc (09022015). Collection method: clinical testing. Allele origin: germline.
Comment: This sequence change replaces alanine, which is neutral and non-polar, with glycine, which is neutral and non-polar, at codon 1839 of the ALPK3 protein (p.Ala1839Gly). This variant is present in population databases (rs769409719, gnomAD 0.05%). This variant has not been reported in the literature in individuals affected with ALPK3-related conditions. ClinVar contains an entry for this variant (Variation ID: 1475006). Invitae Evidence Modeling of protein sequence and biophysical properties (such as structural, functional, and spatial information, amino acid conservation, physicochemical variation, residue mobility, and thermodynamic stability) indicates that this missense variant is expected to disrupt ALPK3 protein function with a positive predictive value of 80%. In summary, the available evidence is currently insufficient to determine the role of this variant in disease. Therefore, it has been classified as a Variant of Uncertain Significance.

Ambry Genetics
Classification: Uncertain significance for Cardiovascular phenotype. Last evaluated: 2025-04-23. Review status: criteria provided, single submitter. Criteria: Ambry Variant Classification Scheme 2023. Collection method: clinical testing. Allele origin: germline.
Comment: The p.A1839G variant (also known as c.5516C>G), located in coding exon 14 of the ALPK3 gene, results from a C to G substitution at nucleotide position 5516. The alanine at codon 1839 is replaced by glycine, an amino acid with similar properties. This amino acid position is conserved. In addition, this alteration is predicted to be tolerated by in silico analysis. Since supporting evidence is limited at this time, the clinical significance of this alteration remains unclear.